The following is an entry in ClinVar:

ClinVar aggregate classification (germline): Likely pathogenic (1 of 4 stars; one submission).

Submission:

Labcorp Genetics (formerly Invitae), Labcorp
Classification: Likely pathogenic. Last evaluated: 2025-05-11. Review status: criteria provided, single submitter. Criteria: Invitae Variant Classification Sherloc (09022015). Collection method: clinical testing. Allele origin: germline.
Comment: This sequence change affects a donor splice site in intron 8 of the FAT1 gene. It is expected to disrupt RNA splicing. Variants that disrupt the donor or acceptor splice site typically lead to a loss of protein function (PMID: 16199547), and loss-of-function variants in FAT1 are known to be pathogenic (PMID: 30862798). This variant is not present in population databases (gnomAD no frequency). This variant has not been reported in the literature in individuals affected with FAT1-related conditions. Algorithms developed to predict the effect of sequence changes on RNA splicing suggest that this variant may disrupt the consensus splice site. In summary, the currently available evidence indicates that the variant is pathogenic, but additional data are needed to prove that conclusively. Therefore, this variant has been classified as Likely Pathogenic.

Literature cited by the submitters: PubMed 16199547; PubMed 30862798.

NM_005245.4(FAT1):c.4599+2T>C

Gene: FAT1 (FAT atypical cadherin 1; minus strand). Cytogenetic location: 4q35.2.
Variant type: single nucleotide variant.
Coding change: c.4599+2T>C on transcript NM_005245.4 (MANE Select); the canonical splice donor site of the intron after coding-DNA position 4599, T replaced by C.
Molecular consequence: splice donor variant.
Genome position (GRCh38, 1-based): chr4:186,628,486, A>G on the plus strand (T>C on the coding strand, the complement: FAT1 is on the minus strand). VCF-style: chr4-186628486-A-G. GRCh37 (hg19) VCF-style: chr4-187549640-A-G.
Other names: c.4599+2T>C (NM_001440455.1, NM_001440456.1, NM_001440457.1).
Identifiers: ClinVar variation 4718900 (VCV004718900.1).